The following is an entry in ClinVar:

NM_000501.4(ELN):c.-4_-3insCCCAGA

Gene: ELN (elastin; plus strand). Cytogenetic location: 7q11.23.
Variant type: Insertion.
Coding change: c.-4_-3insCCCAGA on transcript NM_000501.4 (MANE Select); 4 bases upstream of the start codon through 3 bases upstream of the start codon, CCCAGA inserted.
Molecular consequence: 5 prime UTR variant.
Genome position: GRCh38 VCF-style: chr7-74028184-C-CCCCAGA. GRCh37 (hg19) VCF-style: chr7-73442514-C-CCCCAGA.
Other names: c.-4_-3insCCCAGA (NM_001081752.3, NM_001081753.3, NM_001081754.3 and 9 more transcripts).
Identifiers: ClinVar variation 4981386 (VCV004981386.1).
Genomic context (GRCh38, chr7:74,028,184, plus strand): 5'-GCAACAATTAGGCTTTGGGGATAAAACGAGGTGCGGAGAGCGGGCTGGGGCATTTCTCCC[C>CCCCAGA]GAGATGGCGGGTCTGACGGCGGCGGCCCCGCGGCCCGGAGTCCTCCTGCTCCTGCTGTCC-3'

ClinVar aggregate classification (germline): Likely benign (1 of 4 stars; one submission).

Conditions:
ELN-related disorder.

Submission:

PreventionGenetics, part of Exact Sciences
Classification: Likely benign for ELN-related condition. Last evaluated: 2026-06-12. Review status: criteria provided, single submitter. Criteria: ACMG Guidelines, 2015. Collection method: clinical testing. Allele origin: germline.
Comment: This variant is classified as likely benign based on ACMG/AMP sequence variant interpretation guidelines (Richards et al. 2015 PMID: 25741868, with internal and published modifications).